The following is an entry in ClinVar:

ClinVar aggregate classification (germline): Benign/Likely benign. Review status: criteria provided, multiple submitters, no conflicts (2 of 4 stars). 3 submissions from 3 submitters: Benign (1); Likely benign (2). Last evaluated 2025-04-08.

Conditions:
Hereditary cancer-predisposing syndrome. Also called: Neoplastic Syndromes, Hereditary; Hereditary Cancer Syndrome; Tumor predisposition; Hereditary neoplastic syndrome. Identifiers: Orphanet 140162, MedGen C0027672, MeSH D009386, MONDO:0015356.
Familial adenomatous polyposis 1 (FAP1). Also called: FAMILIAL ADENOMATOUS POLYPOSIS 1, ATTENUATED; POLYPOSIS, ADENOMATOUS INTESTINAL. Identifiers: MedGen C2713442, MONDO:0021056, OMIM 175100. Disease mechanism: loss of function.

Allele frequency attached by ClinVar (database versions not stated): gnomAD exomes below 0.00001.
gnomAD v4.1: 1 of 1,614,210 alleles (0.000062%); highest among the groups gnomAD compares: South Asian, 0.0011%; no homozygotes.

Submissions (3):

Ambry Genetics
Classification: Likely benign for Hereditary cancer-predisposing syndrome. Last evaluated: 2025-04-08. Review status: criteria provided, single submitter. Criteria: Ambry Variant Classification Scheme 2023. Collection method: clinical testing. Allele origin: germline.

Myriad Genetics, Inc.
Classification: Benign for Familial adenomatous polyposis 1. Last evaluated: 2024-03-25. Review status: criteria provided, single submitter. Criteria: Myriad Autosomal Dominant, Autosomal Recessive and X-Linked Classification Criteria (2023). Collection method: clinical testing. Allele origin: unknown.
Comment: This variant is considered benign. This variant is a silent/synonymous amino acid change and it is not expected to impact splicing.

Color Diagnostics, LLC DBA Color Health
Classification: Likely benign for Hereditary cancer-predisposing syndrome. Last evaluated: 2018-10-24. Review status: criteria provided, single submitter. Criteria: ACMG Guidelines, 2015. Collection method: clinical testing. Allele origin: germline.

NM_000038.6(APC):c.3981A>G (p.Ser1327=)

Gene: APC (APC regulator of Wnt signaling pathway; plus strand). Cytogenetic location: 5q22.2.
Variant type: single nucleotide variant.
Coding change: c.3981A>G on transcript NM_000038.6 (MANE Select); coding-DNA position 3981, A replaced by G.
Protein change: p.Ser1327=; no amino-acid change (serine 1327 retained).
Molecular consequence: synonymous variant.
Genome position (GRCh38, 1-based): chr5:112,839,575, A>G. VCF-style: chr5-112839575-A-G. GRCh37 (hg19) VCF-style: chr5-112175272-A-G.
Other names: c.3981A>G, p.Ser1327= (NM_001127510.3, NM_001354895.2); c.3927A>G, p.Ser1309= (NM_001127511.3); c.4035A>G, p.Ser1345= (NM_001354896.2); c.4011A>G, p.Ser1337= (NM_001354897.2); c.3906A>G, p.Ser1302= (NM_001354898.2); c.3897A>G, p.Ser1299= (NM_001354899.2); c.3858A>G, p.Ser1286= (NM_001354900.2); c.3804A>G, p.Ser1268= (NM_001354901.2); and 5 more.
Identifiers: ClinVar variation 927439 (VCV000927439.4), dbSNP rs1554085433, ClinGen allele CA445963990.